The following is an entry in ClinVar:

NM_001844.5(COL2A1):c.2120G>A (p.Arg707His)

Gene: COL2A1 (collagen type II alpha 1 chain; minus strand). Cytogenetic location: 12q13.11.
Variant type: single nucleotide variant.
Coding change: c.2120G>A on transcript NM_001844.5 (MANE Select); coding-DNA position 2120, G replaced by A.
Protein change: p.Arg707His; replaces arginine 707 with histidine.
Molecular consequence: missense variant.
Genome position (GRCh38, 1-based): chr12:47,982,921, C>T on the plus strand (G>A on the coding strand, the complement: COL2A1 is on the minus strand). VCF-style: chr12-47982921-C-T. GRCh37 (hg19) VCF-style: chr12-48376704-C-T.
Other names: c.1913G>A, p.Arg638His (NM_033150.3); short protein forms R638H, R707H.
Identifiers: ClinVar variation 841825 (VCV000841825.13), dbSNP rs982272166, ClinGen allele CA236524772.

ClinVar aggregate classification (germline): Uncertain significance. Review status: criteria provided, multiple submitters, no conflicts (2 of 4 stars). 3 submissions from 3 submitters: Uncertain significance (3). Last evaluated 2026-03-12.

Conditions:
COL2A1-related disorder. Also called: COL2A1-related condition; COL2A1-related disorders.

Allele frequency attached by ClinVar (database versions not stated): TOPMed below 0.00001; gnomAD exomes 0.00001.

Submissions (3):

PreventionGenetics, part of Exact Sciences
Classification: Uncertain significance for COL2A1-related condition. Last evaluated: 2026-03-12. Review status: criteria provided, single submitter. Criteria: ACMG Guidelines, 2015. Collection method: clinical testing. Allele origin: germline.
Comment: The COL2A1 c.2120G>A variant is predicted to result in the amino acid substitution p.Arg707His. To our knowledge, this variant has not been reported in the literature or in a large population database (gnomAD), indicating this variant is rare. At this time, the clinical significance of this variant is uncertain due to the absence of conclusive functional and genetic evidence.

Labcorp Genetics (formerly Invitae), Labcorp
Classification: Uncertain significance. Last evaluated: 2022-05-06. Review status: criteria provided, single submitter. Criteria: Invitae Variant Classification Sherloc (09022015). Collection method: clinical testing. Allele origin: germline.
Comment: This variant has not been reported in the literature in individuals affected with COL2A1-related conditions. ClinVar contains an entry for this variant (Variation ID: 841825). Algorithms developed to predict the effect of missense changes on protein structure and function (SIFT, PolyPhen-2, Align-GVGD) all suggest that this variant is likely to be disruptive. In summary, the available evidence is currently insufficient to determine the role of this variant in disease. Therefore, it has been classified as a Variant of Uncertain Significance. This variant is present in population databases (no rsID available, gnomAD no frequency). This sequence change replaces arginine, which is basic and polar, with histidine, which is basic and polar, at codon 707 of the COL2A1 protein (p.Arg707His).

Blueprint Genetics
Classification: Uncertain significance. Last evaluated: 2020-02-28. Review status: criteria provided, single submitter. Criteria: ACMG Guidelines, 2015. Collection method: clinical testing. Allele origin: germline.